The following is an entry in ClinVar:

ClinVar aggregate classification (germline): Likely benign. Review status: criteria provided, multiple submitters, no conflicts (2 of 4 stars). 4 submissions from 4 submitters: Likely benign (4). Last evaluated 2025-11-18.

Conditions:
Hereditary breast ovarian cancer syndrome. Also called: Hereditary breast and ovarian cancer syndrome; BRCA1- and BRCA2-Associated Hereditary Breast and Ovarian Cancer; Hereditary breast and ovarian cancer; Hereditary breast and/or ovarian cancer syndrome; Hereditary breast and ovarian cancer syndrome (HBOC); Breast and ovarian cancer. Identifiers: Orphanet 145, MedGen C0677776, MeSH D061325, MONDO:0003582. Disease mechanism: loss of function.
Hereditary cancer-predisposing syndrome. Also called: Hereditary Cancer Syndrome; Hereditary neoplastic syndrome; Neoplastic Syndromes, Hereditary; Tumor predisposition. Identifiers: Orphanet 140162, MedGen C0027672, MeSH D009386, MONDO:0015356.

Allele frequency attached by ClinVar (database versions not stated): TOPMed below 0.00001.
gnomAD v4.1: 1 of 1,614,214 alleles (0.000062%); no homozygotes.

Submissions (4):

Labcorp Genetics (formerly Invitae), Labcorp
Classification: Likely benign for Hereditary breast ovarian cancer syndrome. Last evaluated: 2025-11-18. Review status: criteria provided, single submitter. Criteria: Invitae Variant Classification Sherloc (09022015). Collection method: clinical testing. Allele origin: germline.

Ambry Genetics
Classification: Likely benign for Hereditary cancer-predisposing syndrome. Last evaluated: 2018-07-17. Review status: criteria provided, single submitter. Criteria: Ambry Variant Classification Scheme 2023. Collection method: clinical testing. Allele origin: germline.

Color Diagnostics, LLC DBA Color Health
Classification: Likely benign for Hereditary cancer-predisposing syndrome. Last evaluated: 2018-02-07. Review status: criteria provided, single submitter. Criteria: ACMG Guidelines, 2015. Collection method: clinical testing. Allele origin: germline.

GeneDx
Classification: Likely benign. Last evaluated: 2016-11-15. Review status: criteria provided, single submitter. Criteria: GeneDx Variant Classification (06012015). Collection method: clinical testing. Allele origin: germline. Affected: yes.
Comment: This variant is considered likely benign or benign based on one or more of the following criteria: it is a conservative change, it occurs at a poorly conserved position in the protein, it is predicted to be benign by multiple in silico algorithms, and/or has population frequency not consistent with disease.

NM_007294.4(BRCA1):c.3787T>C (p.Leu1263=)

Genes: BRCA1 (BRCA1 DNA repair associated; minus strand), LOC126862571 (BRD4-independent group 4 enhancer GRCh37_chr17:41243136-41244335; plus strand). Cytogenetic location: 17q21.31.
Variant type: single nucleotide variant.
Coding change: c.3787T>C on transcript NM_007294.4 (MANE Select); coding-DNA position 3787, T replaced by C.
Protein change: p.Leu1263=; no amino-acid change (leucine 1263 retained).
Molecular consequence: synonymous variant. On other transcripts: intron variant (135).
Genome position (GRCh38, 1-based): chr17:43,091,744, A>G on the plus strand (T>C on the coding strand, the complement: BRCA1 is on the minus strand). VCF-style: chr17-43091744-A-G. GRCh37 (hg19) VCF-style: chr17-41243761-A-G.
Other names: c.3784T>C, p.Leu1262= (NM_001407627.1, NM_001407628.1, NM_001407629.1 and 22 more transcripts); c.3787T>C, p.Leu1263= (NM_001407639.1, NM_001407640.1, NM_001407641.1 and 30 more transcripts); c.3778T>C, p.Leu1260= (NM_001407646.1, NM_001407647.1); c.3664T>C, p.Leu1222= (NM_001407648.1, NM_001407675.1, NM_001407676.1 and 19 more transcripts); c.3661T>C, p.Leu1221= (NM_001407649.1, NM_001407685.1, NM_001407686.1 and 11 more transcripts); c.3709T>C, p.Leu1237= (NM_001407653.1, NM_001407654.1, NM_001407655.1 and 4 more transcripts); c.3706T>C, p.Leu1236= (NM_001407659.1, NM_001407660.1, NM_001407661.1 and 1 more transcripts); c.3643T>C, p.Leu1215= (NM_001407746.1, NM_001407747.1, NM_001407748.1 and 20 more transcripts); and 41 more.
Identifiers: ClinVar variation 391078 (VCV000391078.19), dbSNP rs1057523961, ClinGen allele CA16607617.